The following is an entry in ClinVar:

ClinVar aggregate classification (germline): Uncertain significance (1 of 4 stars; one submission).

Allele frequency attached by ClinVar (database versions not stated): gnomAD 0.00002; gnomAD exomes 0.00004 and 0.00009; TOPMed 0.00005; ExAC 0.00009.
gnomAD v4.1: 65 of 1,603,778 alleles (0.0041%); highest among the groups gnomAD compares: Middle Eastern, 0.099%; no homozygotes.

Submission:

Labcorp Genetics (formerly Invitae), Labcorp
Classification: Uncertain significance. Last evaluated: 2025-06-12. Review status: criteria provided, single submitter. Criteria: Invitae Variant Classification Sherloc (09022015). Collection method: clinical testing. Allele origin: germline.
Comment: This sequence change replaces proline, which is neutral and non-polar, with leucine, which is neutral and non-polar, at codon 2287 of the SPEG protein (p.Pro2287Leu). This variant is present in population databases (rs770861376, gnomAD 0.02%). This variant has not been reported in the literature in individuals affected with SPEG-related conditions. ClinVar contains an entry for this variant (Variation ID: 1411485). An algorithm developed to predict the effect of missense changes on protein structure and function outputs the following: PolyPhen-2: "Benign". The leucine amino acid residue is found in multiple mammalian species, which suggests that this missense change does not adversely affect protein function. In summary, the available evidence is currently insufficient to determine the role of this variant in disease. Therefore, it has been classified as a Variant of Uncertain Significance.

NM_005876.5(SPEG):c.6860C>T (p.Pro2287Leu)

Genes: ASIC4-AS1 (ASIC4 antisense RNA 1; minus strand), SPEG (striated muscle enriched protein kinase; plus strand). Cytogenetic location: 2q35.
Variant type: single nucleotide variant.
Coding change: c.6860C>T on transcript NM_005876.5 (MANE Select); coding-DNA position 6860, C replaced by T.
Protein change: p.Pro2287Leu; replaces proline 2287 with leucine.
Molecular consequence: missense variant.
Genome position (GRCh38, 1-based): chr2:219,484,323, C>T. VCF-style: chr2-219484323-C-T. GRCh37 (hg19) VCF-style: chr2-220349045-C-T.
Other names: short protein forms P2287L.
Identifiers: ClinVar variation 1411485 (VCV001411485.4), dbSNP rs770861376, ClinGen allele CA2127137.
Genomic context (GRCh38, chr2:219,484,323, plus strand): 5'-CGCCGCCTTCAGAGCCCAAGCCCCACGCTGCTGTCTTTGCCAGGGTGGCCTCCCCACCTC[C>T]GGGAGCCCCCGAGAAGCGCGTGCCCTCAGCCGGGGGTCCCCCGGTGCTAGCCGAGAAAGC-3'
Protein context (NP_005867.3, residues 2277-2297): AVFARVASPP[Pro2287Leu]GAPEKRVPSA